The following is an entry in ClinVar:

ClinVar aggregate classification (germline): Likely pathogenic (1 of 4 stars; one submission).

Conditions:
Glycogen storage disease, type VII (GSD7). Also called: GSD VII; MUSCLE PHOSPHOFRUCTOKINASE DEFICIENCY; PFKM DEFICIENCY; TARUI DISEASE. Identifiers: Orphanet 371, MedGen C0017926, MONDO:0009295, OMIM 232800.

Submission:

Myriad Genetics, Inc.
Classification: Likely pathogenic for Glycogen storage disease, type VII. Last evaluated: 2022-03-03. Review status: criteria provided, single submitter. Criteria: Myriad Women's Health Autosomal Recessive and X-Linked Classification Criteria (2021). Collection method: clinical testing. Allele origin: unknown.
Comment: NM_001166686.1(PFKM):c.417_420delCACCinsTG(T140Vfs*50) is expected to be pathogenic in the context of glycogen storage disease type VII. This variant is predicted to lead to an abnormal or absent protein product due to the creation of a premature termination codon in PFKM, a gene where loss-of-function variants are known to be pathogenic. Please note: this variant was assessed in the context of healthy population screening.

NM_000289.6(PFKM):c.204_207delinsTG (p.Thr69fs)

Gene: PFKM (phosphofructokinase, muscle; plus strand). Cytogenetic location: 12q13.11.
Variant type: Indel.
Coding change: c.204_207delinsTG on transcript NM_000289.6 (MANE Select); coding-DNA positions 204 to 207, CACC replaced by TG.
Protein change: p.Thr69fs; shifts the reading frame from threonine 69.
Molecular consequence: frameshift variant. On other transcripts: non-coding transcript variant (6).
Genome position (GRCh38, 1-based): chr12:48,131,360-48,131,363, CACC replaced by TG. VCF-style: chr12-48131360-CACC-TG. GRCh37 (hg19) VCF-style: chr12-48525143-CACC-TG.
Other names: c.417_420delinsTG, p.Thr140fs (NM_001166686.2, NM_001354737.1, NM_001354738.1 and 1 more transcripts); c.204_207delinsTG, p.Thr69fs (NM_001166687.2, NM_001166688.2, NM_001354742.2 and 4 more transcripts); c.513_516delinsTG, p.Thr172fs (NM_001354735.1, NM_001354736.1); c.348_351delinsTG, p.Thr117fs (NM_001354740.1); c.228_231delinsTG, p.Thr77fs (NM_001354741.2); c.117_120delinsTG, p.Thr40fs (NM_001354745.2); c.54_57delinsTG, p.Thr19fs (NM_001354747.2, NM_001354748.2); short protein forms T117fs, T140fs, T172fs, T19fs, T40fs, T69fs, T77fs.
Identifiers: ClinVar variation 1724980 (VCV001724980.2), dbSNP rs2540870223, ClinGen allele CA2580085500.